The following is an entry in ClinVar:

NM_000388.4(CASR):c.2644A>T (p.Lys882Ter)

Gene: CASR (calcium sensing receptor; plus strand). Cytogenetic location: 3q21.1.
Variant type: single nucleotide variant.
Coding change: c.2644A>T on transcript NM_000388.4 (MANE Select); coding-DNA position 2644, A replaced by T.
Protein change: p.Lys882Ter; replaces lysine 882 with a stop codon.
Molecular consequence: nonsense.
Genome position (GRCh38, 1-based): chr3:122,284,598, A>T. VCF-style: chr3-122284598-A-T. GRCh37 (hg19) VCF-style: chr3-122003445-A-T.
Other names: c.2674A>T, p.Lys892Ter (NM_001178065.2); short protein forms K882*, K892*.
Identifiers: ClinVar variation 35793 (VCV000035793.3), dbSNP rs193922437, ClinGen allele CA213590.

ClinVar aggregate classification (germline): Likely pathogenic (1 of 4 stars; one submission).

Conditions:
Familial hypocalciuric hypercalcemia (FHH). Also called: Familial benign hypercalcemia. Identifiers: Orphanet 405, MedGen C1809471, MONDO:0018458.

Submission:

Women's Health and Genetics/Laboratory Corporation of America, LabCorp
Classification: Likely pathogenic for Familial Hypocalciuric Hypercalcemia. Last evaluated: 2011-08-18. Review status: criteria provided, single submitter. Criteria: LabCorp Variant Classification Summary - May 2015. Collection method: curation, clinical testing. Allele origin: germline. Inheritance: autosomal unknown. Affected: yes.
ClinVar note: Converted during submission from likely pathogenic to Likely pathogenic.